The following is an entry in ClinVar:

NM_006516.4(SLC2A1):c.274C>A (p.Arg92=)

Gene: SLC2A1 (solute carrier family 2 member 1; minus strand). Cytogenetic location: 1p34.2.
Variant type: single nucleotide variant.
Coding change: c.274C>A on transcript NM_006516.4 (MANE Select); coding-DNA position 274, C replaced by A.
Protein change: p.Arg92=; no amino-acid change (arginine 92 retained).
Molecular consequence: synonymous variant.
Genome position (GRCh38, 1-based): chr1:42,931,047, G>T on the plus strand (C>A on the coding strand, the complement: SLC2A1 is on the minus strand). VCF-style: chr1-42931047-G-T. GRCh37 (hg19) VCF-style: chr1-43396718-G-T.
Identifiers: ClinVar variation 207181 (VCV000207181.19), dbSNP rs202060209, ClinGen allele CA318412.
Genomic context (GRCh38, chr1:42,931,047, plus strand): 5'-CTCCCTGGGCAGGAGGGCATGGGCCCTCCAAGGGCAGTGCCAGGACCTCTCCTACTTACC[G>T]GCCAAAGCGGTTAACGAAAAGGCCCACAGAGAAGGAGCCAATCATGCCCCCAACAGAAAA-3'
Protein context (NP_006507.2, residues 82-102): SVGLFVNRFG[Arg92=]RNSMLMMNLL

ClinVar aggregate classification (germline): Conflicting classifications of pathogenicity. Review status: criteria provided, conflicting classifications (1 of 4 stars). 6 submissions from 5 submitters: Uncertain significance (3); Benign (2). 1 of the submissions does not count toward it. Last evaluated 2025-11-19.

Conditions:
Encephalopathy due to GLUT1 deficiency. Also called: GLUT1 deficiency syndrome 1, infantile onset, severe; GLUCOSE TRANSPORT DEFECT, BLOOD-BRAIN BARRIER; Classic Glucose Transporter Type 1 Deficiency Syndrome; De Vivo disease; GLUT1 deficiency syndrome 1; Glucose transporter protein syndrome. Identifiers: Orphanet 71277, MedGen C4551966, MONDO:0011724, OMIM 606777.
Dystonia 9 (DYT9). Also called: CHOREOATHETOSIS, KINESIGENIC, WITH EPISODIC ATAXIA AND SPASTICITY. Identifiers: Orphanet 53583, MedGen C1832855, MONDO:0010983, OMIM 601042.
GLUT1 deficiency syndrome 1, autosomal recessive. Identifiers: MedGen C3149117.

Allele frequency attached by ClinVar (database versions not stated): gnomAD below 0.00001 and 0.00002; gnomAD exomes 0.00001 and 0.00002; ExAC 0.00002; TOPMed 0.00002; 1000 Genomes Project 30x 0.00016; 1000 Genomes Project 0.00020.
gnomAD v4.1: 22 of 1,614,030 alleles (0.0014%); highest among the groups gnomAD compares: East Asian, 0.016%; no homozygotes.

Submissions (6):

Women's Health and Genetics/Laboratory Corporation of America, LabCorp
Classification: Uncertain significance. Last evaluated: 2025-11-19. Review status: criteria provided, single submitter. Criteria: LabCorp Variant Classification Summary - May 2015. Collection method: clinical testing. Allele origin: germline.
Comment: Variant summary: SLC2A1 c.274C>A (p.Arg92Arg) alters a non-conserved nucleotide located close to a canonical splice site and therefore could affect mRNA splicing, leading to a significantly altered protein sequence. Several computational tools predict a significant impact on normal splicing: Four predict the variant creates a cryptic 3 acceptor site. However, these predictions have yet to be confirmed by functional studies. The variant allele was found at a frequency of 2.4e-05 in 250800 control chromosomes. The available data on variant occurrences in the general population are insufficient to allow any conclusion about variant significance. To our knowledge, c.274C>A has not been observed in individuals affected with GLUT1 Deficiency Syndrome 1 and no experimental evidence demonstrating an impact on protein function has been reported. The following publication has been ascertained in the context of this evaluation (PMID: 29961769). ClinVar contains an entry for this variant (Variation ID: 207181). Based on the evidence outlined above, the variant was classified as uncertain significance.

Labcorp Genetics (formerly Invitae), Labcorp
Classification: Uncertain significance for GLUT1 deficiency syndrome 1, autosomal recessive. Last evaluated: 2025-09-11. Review status: criteria provided, single submitter. Criteria: Invitae Variant Classification Sherloc (09022015). Collection method: clinical testing. Allele origin: germline.
Comment: This sequence change affects codon 92 of the SLC2A1 mRNA. It is a 'silent' change, meaning that it does not change the encoded amino acid sequence of the SLC2A1 protein. It affects a nucleotide within the consensus splice site. This variant is present in population databases (rs202060209, gnomAD 0.02%). This variant has been observed in individual(s) with clinical features of autosomal dominant SLC2A1-related conditions (internal data). ClinVar contains an entry for this variant (Variation ID: 207181). Algorithms developed to predict the effect of sequence changes on RNA splicing suggest that this variant is not likely to affect RNA splicing. In summary, the available evidence is currently insufficient to determine the role of this variant in disease. Therefore, it has been classified as a Variant of Uncertain Significance.

Eurofins Ntd Llc (ga)
Classification: Uncertain significance. Last evaluated: 2018-04-20. Review status: criteria provided, single submitter. Criteria: EGL ClinVar v180209 classification definitions. Collection method: clinical testing. Allele origin: germline. Observed: 1 variant allele, 1 heterozygote.

Illumina Laboratory Services, Illumina
Classification: Benign for Dystonia 9. Last evaluated: 2018-03-06. Review status: criteria provided, single submitter. Criteria: ICSL Variant Classification Criteria 13 December 2019. Collection method: clinical testing. Allele origin: germline.
Comment: This variant was observed in the ICSL laboratory as part of a predisposition screen in an ostensibly healthy population. It had not been previously curated by ICSL or reported in the Human Gene Mutation Database (HGMD: prior to June 1st, 2018), and was therefore a candidate for classification through an automated scoring system. Utilizing variant allele frequency, disease prevalence and penetrance estimates, and inheritance mode, an automated score was calculated to assess if this variant is too frequent to cause the disease. Based on the score and internal cut-off values, a variant classified as benign is not then subjected to further curation. The score for this variant resulted in a classification of benign for this disease.

Illumina Laboratory Services, Illumina
Classification: Benign for Encephalopathy due to GLUT1 deficiency. Last evaluated: 2018-03-06. Review status: criteria provided, single submitter. Criteria: ICSL Variant Classification Criteria 13 December 2019. Collection method: clinical testing. Allele origin: germline.
Comment: the same text as in the submission from Illumina Laboratory Services, Illumina above.

SingHealth Duke-NUS Institute of Precision Medicine
Classification: Uncertain significance for Encephalopathy due to GLUT1 deficiency. Last evaluated: 2017-06-07. Review status: no assertion criteria provided. Collection method: curation. Allele origin: germline. Affected: no. Not counted in ClinVar's aggregate classification.

Literature cited by the submitters: PubMed 29961769 (cited by Women's Health and Genetics/Laboratory Corporation of America, LabCorp).